The following is an entry in ClinVar:

NM_001142800.2(EYS):c.-277C>G

Gene: EYS (EGF-like photoreceptor maintenance factor; minus strand). Cytogenetic location: 6q12.
Variant type: single nucleotide variant.
Coding change: c.-277C>G on transcript NM_001142800.2 (MANE Select); 277 bases upstream of the start codon, C replaced by G.
Molecular consequence: 5 prime UTR variant.
Genome position (GRCh38, 1-based): chr6:65,495,938, G>C on the plus strand (C>G on the coding strand, the complement: EYS is on the minus strand). VCF-style: chr6-65495938-G-C. GRCh37 (hg19) VCF-style: chr6-66205831-G-C.
Other names: c.-277C>G (NM_001142801.2, NM_001292009.2, NM_198283.2).
Identifiers: ClinVar variation 912119 (VCV000912119.6), dbSNP rs1379087184, ClinGen allele CA567773271.

ClinVar aggregate classification (germline): Uncertain significance. Review status: criteria provided, multiple submitters, no conflicts (2 of 4 stars). 2 submissions from 2 submitters: Uncertain significance (2). Last evaluated 2021-10-29.

Conditions:
Retinitis pigmentosa (RP). Identifiers: Orphanet 791, MedGen C0035334, MeSH D012174, MONDO:0019200, OMIM 268000. Inheritance: Autosomal dominant, autosomal recessive and X linked inheritance.

Allele frequency attached by ClinVar (database versions not stated): gnomAD 0.00001; TOPMed 0.00002.

Submissions (2):

Labcorp Genetics (formerly Invitae), Labcorp
Classification: Uncertain significance. Last evaluated: 2021-10-29. Review status: criteria provided, single submitter. Criteria: Invitae Variant Classification Sherloc (09022015). Collection method: clinical testing. Allele origin: germline.
Comment: This variant occurs in a non-coding region of the EYS gene. It does not change the encoded amino acid sequence of the EYS protein. This variant is present in population databases (no rsID available, gnomAD 0.007%). This variant has not been reported in the literature in individuals affected with EYS-related conditions. ClinVar contains an entry for this variant (Variation ID: 912119). In summary, the available evidence is currently insufficient to determine the role of this variant in disease. Therefore, it has been classified as a Variant of Uncertain Significance.

Illumina Laboratory Services, Illumina
Classification: Uncertain significance for Retinitis pigmentosa. Last evaluated: 2018-01-12. Review status: criteria provided, single submitter. Criteria: ICSL Variant Classification Criteria 13 December 2019. Collection method: clinical testing. Allele origin: germline.